The following is an entry in ClinVar:

ClinVar aggregate classification (germline): Uncertain significance (1 of 4 stars; one submission).

Submission:

Ambry Genetics
Classification: Uncertain significance. Last evaluated: 2025-02-13. Review status: criteria provided, single submitter. Criteria: Ambry Variant Classification Scheme 2023. Collection method: clinical testing. Allele origin: germline.
Comment: The p.A217G variant (also known as c.650C>G), located in coding exon 3 of the GFI1 gene, results from a C to G substitution at nucleotide position 650. The alanine at codon 217 is replaced by glycine, an amino acid with similar properties. This amino acid position is conserved. In addition, this alteration is predicted to be tolerated by in silico analysis. Based on the available evidence, the clinical significance of this variant remains unclear.

NM_005263.5(GFI1):c.650C>G (p.Ala217Gly)

Gene: GFI1 (growth factor independent 1 transcriptional repressor; minus strand). Cytogenetic location: 1p22.1.
Variant type: single nucleotide variant.
Coding change: c.650C>G on transcript NM_005263.5 (MANE Select); coding-DNA position 650, C replaced by G.
Protein change: p.Ala217Gly; replaces alanine 217 with glycine.
Molecular consequence: missense variant.
Genome position (GRCh38, 1-based): chr1:92,480,737, G>C on the plus strand (C>G on the coding strand, the complement: GFI1 is on the minus strand). VCF-style: chr1-92480737-G-C. GRCh37 (hg19) VCF-style: chr1-92946294-G-C.
Other names: c.650C>G, p.Ala217Gly (NM_001127215.3, NM_001127216.3); short protein forms A217G.
Identifiers: ClinVar variation 3853720 (VCV003853720.1).